The following is an entry in ClinVar:

ClinVar aggregate classification (germline): Likely benign (1 of 4 stars; one submission).

gnomAD v4.1: 4 of 1,453,370 alleles (0.00028%); highest among the groups gnomAD compares: East Asian, 0.0023%; no homozygotes.

Submission:

Women's Health and Genetics/Laboratory Corporation of America, LabCorp
Classification: Likely benign. Last evaluated: 2024-07-02. Review status: criteria provided, single submitter. Criteria: LabCorp Variant Classification Summary - May 2015. Collection method: clinical testing. Allele origin: germline.
Comment: Variant summary: DCC c.4255-10C>T alters a conserved nucleotide located at a position not widely known to affect splicing. Consensus agreement among computation tools predict no significant impact on normal splicing. However, these predictions have yet to be confirmed by functional studies. The variant allele was found at a frequency of 1.6e-05 in 251250 control chromosomes. The available data on variant occurrences in the general population are insufficient to allow any conclusion about variant significance. To our knowledge, no occurrence of c.4255-10C>T in individuals affected with Mirror Movements 1 and no experimental evidence demonstrating its impact on protein function have been reported. No submitters have cited clinical-significance assessments for this variant to ClinVar. Based on the evidence outlined above, the variant was classified as likely benign.

NM_005215.4(DCC):c.4255-10C>T

Gene: DCC (DCC netrin 1 receptor; plus strand). Cytogenetic location: 18q21.2.
Variant type: single nucleotide variant.
Coding change: c.4255-10C>T on transcript NM_005215.4 (MANE Select); 10 bases into the intron before coding-DNA position 4255, C replaced by T.
Molecular consequence: intron variant.
Genome position (GRCh38, 1-based): chr18:53,530,554, C>T. VCF-style: chr18-53530554-C-T. GRCh37 (hg19) VCF-style: chr18-51056924-C-T.
Identifiers: ClinVar variation 3339180 (VCV003339180.1).
Genomic context (GRCh38, chr18:53,530,554, plus strand): 5'-TGGCCCCGGCCTTCATAAAAGAAATGGATCAATATTTGTTACTAACTCTTGGCTCTCATT[C>T]TCTTTATAGGTGTATGAACAGGATGATCTGAGTGAACAAATGGCAAGTTTGGAAGGACTC-3'